The following is an entry in ClinVar:

ClinVar aggregate classification (germline): Uncertain significance (1 of 4 stars; one submission).

Conditions:
Wilms tumor 1 (WT1). Also called: Wilms tumor, somatic. Identifiers: Orphanet 654, MedGen CN033288, MONDO:0008679, OMIM 194070.

Submission:

Labcorp Genetics (formerly Invitae), Labcorp
Classification: Uncertain significance for Wilms tumor 1. Last evaluated: 2021-03-11. Review status: criteria provided, single submitter. Criteria: Invitae Variant Classification Sherloc (09022015). Collection method: clinical testing. Allele origin: germline.
Comment: This sequence change replaces serine with proline at codon 571 of the GPC3 protein (p.Ser571Pro). The serine residue is weakly conserved and there is a moderate physicochemical difference between serine and proline. This variant is not present in population databases (ExAC no frequency). This variant has not been reported in the literature in individuals with GPC3-related conditions. Algorithms developed to predict the effect of missense changes on protein structure and function are either unavailable or do not agree on the potential impact of this missense change (SIFT: "Tolerated"; PolyPhen-2: "Possibly Damaging"; Align-GVGD: "Class C0"). In summary, the available evidence is currently insufficient to determine the role of this variant in disease. Therefore, it has been classified as a Variant of Uncertain Significance.

NM_004484.4(GPC3):c.1711T>C (p.Ser571Pro)

Gene: GPC3 (glypican 3; minus strand). Cytogenetic location: Xq26.2.
Variant type: single nucleotide variant.
Coding change: c.1711T>C on transcript NM_004484.4 (MANE Select); coding-DNA position 1711, T replaced by C.
Protein change: p.Ser571Pro; replaces serine 571 with proline.
Molecular consequence: missense variant.
Genome position (GRCh38, 1-based): chrX:133,536,156, A>G on the plus strand (T>C on the coding strand, the complement: GPC3 is on the minus strand). VCF-style: chrX-133536156-A-G. GRCh37 (hg19) VCF-style: chrX-132670184-A-G.
Other names: c.1780T>C, p.Ser594Pro (NM_001164617.2); c.1663T>C, p.Ser555Pro (NM_001164618.2); c.1549T>C, p.Ser517Pro (NM_001164619.2); short protein forms S555P, S517P, S571P, S594P.
Identifiers: ClinVar variation 1035328 (VCV001035328.9), dbSNP rs2069287413, ClinGen allele CA414702448.